The following is an entry in ClinVar:

ClinVar aggregate classification (germline): Pathogenic (1 of 4 stars; one submission).

Conditions:
Neurofibromatosis, type 1 (NF1). Also called: VON RECKLINGHAUSEN DISEASE; NEUROFIBROMATOSIS, TYPE I, SOMATIC; Peripheral type neurofibromatosis; Neurofibromatosis, type I. Identifiers: Orphanet 636, MedGen C0027831, MONDO:0018975, OMIM 162200. Disease mechanism: loss of function.

Submission:

Labcorp Genetics (formerly Invitae), Labcorp
Classification: Pathogenic for Neurofibromatosis, type 1. Last evaluated: 2023-08-28. Review status: criteria provided, single submitter. Criteria: Invitae Variant Classification Sherloc (09022015). Collection method: clinical testing. Allele origin: germline.
Comment: This sequence change creates a premature translational stop signal (p.Val1076Serfs*9) in the NF1 gene. It is expected to result in an absent or disrupted protein product. Loss-of-function variants in NF1 are known to be pathogenic (PMID: 10712197, 23913538). This variant is not present in population databases (gnomAD no frequency). This variant has not been reported in the literature in individuals affected with NF1-related conditions. For these reasons, this variant has been classified as Pathogenic.

Literature cited by the submitters: PubMed 10712197; PubMed 23913538.

NM_001042492.3(NF1):c.3226_3236del (p.Val1076fs)

Gene: NF1 (neurofibromin 1; plus strand). Cytogenetic location: 17q11.2.
Variant type: Deletion.
Coding change: c.3226_3236del on transcript NM_001042492.3 (MANE Select); coding-DNA positions 3226 to 3236, 11 bases deleted (GTAGTTTCACT).
Protein change: p.Val1076fs; shifts the reading frame from valine 1076.
Molecular consequence: frameshift variant.
Genome position (GRCh38, 1-based): chr17:31,232,101-31,232,111, GTAGTTTCACT deleted. VCF-style (leftmost placement, unchanged base first): chr17-31232100-AGTAGTTTCACT-A. GRCh37 (hg19) VCF-style: chr17-29559118-AGTAGTTTCACT-A.
Other names: c.3226_3236delGTAGTTTCACT, p.Val1076Serfs (NM_000267.4); short protein forms V1076fs.
Identifiers: ClinVar variation 2755860 (VCV002755860.3), dbSNP rs2508223710, ClinGen allele CA2697559784.
Genomic context (GRCh38, chr17:31,232,100, plus strand): 5'-TAAATTTTTTTTTTTTTTTTTTTTTTTTTTCAGAGATTTGGACCAGGCAAGCATGGAAGC[AGTAGTTTCACT>A]TCTAGCTGGTCTCCCTCTGCAGCCTGAAGAAGGAGATGGTGTGGAATTGATGGAAGCCAA-3'